The following is an entry in ClinVar:

NM_002558.4(P2RX1):c.438G>A (p.Thr146=)

Gene: P2RX1 (purinergic receptor P2X 1; minus strand). Cytogenetic location: 17p13.2.
Variant type: single nucleotide variant.
Coding change: c.438G>A on transcript NM_002558.4 (MANE Select); coding-DNA position 438, G replaced by A.
Protein change: p.Thr146=; no amino-acid change (threonine 146 retained).
Molecular consequence: synonymous variant.
Genome position (GRCh38, 1-based): chr17:3,904,014, C>T on the plus strand (G>A on the coding strand, the complement: P2RX1 is on the minus strand). VCF-style: chr17-3904014-C-T. GRCh37 (hg19) VCF-style: chr17-3807308-C-T.
Identifiers: ClinVar variation 3048389 (VCV003048389.2), dbSNP rs139091182, ClinGen allele CA8296279.

ClinVar aggregate classification (germline): Likely benign (0 of 4 stars; one submission).

Conditions:
P2RX1-related disorder. Also called: P2RX1-related condition.

Allele frequency attached by ClinVar (database versions not stated): 1000 Genomes Project 0.00040; ESP Exome Variant Server 0.00046; ExAC 0.00052; 1000 Genomes Project 30x 0.00062.
gnomAD v4.1: 514 of 1,613,964 alleles (0.032%); highest among the groups gnomAD compares: South Asian, 0.31%; 5 homozygotes.

Submission:

PreventionGenetics, part of Exact Sciences
Classification: Likely benign for P2RX1-related condition. Last evaluated: 2024-04-23. Review status: no assertion criteria provided. Collection method: clinical testing. Allele origin: germline.
Comment: This variant is classified as likely benign based on ACMG/AMP sequence variant interpretation guidelines (Richards et al. 2015 PMID: 25741868, with internal and published modifications).